The following is an entry in ClinVar:

ClinVar aggregate classification (germline): Uncertain significance (1 of 4 stars; one submission).

Conditions:
Aortic aneurysm, familial thoracic 7 (AAT7). Also called: AORTIC DISSECTION, FAMILIAL, WITH OR WITHOUT AORTIC ANEURYSM. Identifiers: MedGen C3151077, MONDO:0013418, OMIM 613780.

Submission:

Labcorp Genetics (formerly Invitae), Labcorp
Classification: Uncertain significance for Aortic aneurysm, familial thoracic 7. Last evaluated: 2025-12-19. Review status: criteria provided, single submitter. Criteria: Invitae Variant Classification Sherloc (09022015). Collection method: clinical testing. Allele origin: germline.
Comment: This sequence change replaces leucine, which is neutral and non-polar, with methionine, which is neutral and non-polar, at codon 795 of the MYLK protein (p.Leu795Met). This variant is not present in population databases (gnomAD no frequency). This variant has not been reported in the literature in individuals affected with MYLK-related conditions. Invitae Evidence Modeling of protein sequence and biophysical properties (such as structural, functional, and spatial information, amino acid conservation, physicochemical variation, residue mobility, and thermodynamic stability) indicates that this missense variant is not expected to disrupt MYLK protein function with a negative predictive value of 80%. In summary, the available evidence is currently insufficient to determine the role of this variant in disease. Therefore, it has been classified as a Variant of Uncertain Significance.

NM_053025.4(MYLK):c.2383C>A (p.Leu795Met)

Gene: MYLK (myosin light chain kinase; minus strand). Cytogenetic location: 3q21.1.
Variant type: single nucleotide variant.
Coding change: c.2383C>A on transcript NM_053025.4 (MANE Select); coding-DNA position 2383, C replaced by A.
Protein change: p.Leu795Met; replaces leucine 795 with methionine.
Molecular consequence: missense variant.
Genome position (GRCh38, 1-based): chr3:123,707,761, G>T on the plus strand (C>A on the coding strand, the complement: MYLK is on the minus strand). VCF-style: chr3-123707761-G-T. GRCh37 (hg19) VCF-style: chr3-123426608-G-T.
Other names: c.1855C>A, p.Leu619Met (NM_001321309.2); c.2176C>A, p.Leu726Met (NM_053026.4, NM_053028.4); c.2383C>A, p.Leu795Met (NM_053027.4); short protein forms L619M, L726M, L795M.
Identifiers: ClinVar variation 4809012 (VCV004809012.1).